The following is an entry in ClinVar:

ClinVar aggregate classification (germline): Uncertain significance. Review status: criteria provided, multiple submitters, no conflicts (2 of 4 stars). 2 submissions from 2 submitters: Uncertain significance (2). Last evaluated 2025-12-15.

Conditions:
Inborn genetic diseases. Identifiers: MedGen C0950123, MeSH D030342.

gnomAD v4.1: 114 of 1,613,544 alleles (0.0071%); highest among the groups gnomAD compares: Admixed American, 0.013%; no homozygotes.

Submissions (2):

Ambry Genetics
Classification: Uncertain significance for Inborn genetic diseases. Last evaluated: 2025-12-15. Review status: criteria provided, single submitter. Criteria: Ambry Variant Classification Scheme 2023. Collection method: clinical testing. Allele origin: germline.

Labcorp Genetics (formerly Invitae), Labcorp
Classification: Uncertain significance. Last evaluated: 2025-08-08. Review status: criteria provided, single submitter. Criteria: Invitae Variant Classification Sherloc (09022015). Collection method: clinical testing. Allele origin: germline.
Comment: This sequence change replaces arginine, which is basic and polar, with histidine, which is basic and polar, at codon 1271 of the DOCK6 protein (p.Arg1271His). This variant is present in population databases (rs761522687, gnomAD 0.02%). This variant has not been reported in the literature in individuals affected with DOCK6-related conditions. Invitae Evidence Modeling of protein sequence and biophysical properties (such as structural, functional, and spatial information, amino acid conservation, physicochemical variation, residue mobility, and thermodynamic stability) indicates that this missense variant is not expected to disrupt DOCK6 protein function with a negative predictive value of 80%. In summary, the available evidence is currently insufficient to determine the role of this variant in disease. Therefore, it has been classified as a Variant of Uncertain Significance.

NM_020812.4(DOCK6):c.3812G>A (p.Arg1271His)

Genes: DOCK6 (dedicator of cytokinesis 6; minus strand), DOCK6-AS1 (DOCK6 antisense RNA 1; plus strand). Cytogenetic location: 19p13.2.
Variant type: single nucleotide variant.
Coding change: c.3812G>A on transcript NM_020812.4 (MANE Select); coding-DNA position 3812, G replaced by A.
Protein change: p.Arg1271His; replaces arginine 1271 with histidine.
Molecular consequence: missense variant.
Genome position (GRCh38, 1-based): chr19:11,216,996, C>T on the plus strand (G>A on the coding strand, the complement: DOCK6 is on the minus strand). VCF-style: chr19-11216996-C-T. GRCh37 (hg19) VCF-style: chr19-11327672-C-T.
Other names: c.3812G>A (NM_020812.2); c.3917G>A, p.Arg1306His (NM_001367830.1); short protein forms R1306H, R1271H.
Identifiers: ClinVar variation 4733350 (VCV004733350.2).
Genomic context (GRCh38, chr19:11,216,996, plus strand): 5'-CAAAGGTACAGCAAATCCAACAGACGTCCCAGCTGGGGGAGTGTCAGGTCAGTGGCCCAG[C>T]GCTGCAGGAGCGCCGGCTCGGTGTTTTTCAGCACCCACAGCACACACGCCAGCAAGGTCC-3'
Protein context (NP_065863.2, residues 1261-1281): LKNTEPALLQ[Arg1271His]WATDLTLPQL